The following is an entry in ClinVar:

NM_018076.5(ODAD2):c.1301A>G (p.Glu434Gly)

Gene: ODAD2 (outer dynein arm docking complex subunit 2; minus strand). Cytogenetic location: 10p12.1.
Variant type: single nucleotide variant.
Coding change: c.1301A>G on transcript NM_018076.5 (MANE Select); coding-DNA position 1301, A replaced by G.
Protein change: p.Glu434Gly; replaces glutamic acid 434 with glycine.
Molecular consequence: missense variant. On other transcripts: 5 prime UTR variant (1).
Genome position (GRCh38, 1-based): chr10:27,961,653, T>C on the plus strand (A>G on the coding strand, the complement: ODAD2 is on the minus strand). VCF-style: chr10-27961653-T-C. GRCh37 (hg19) VCF-style: chr10-28250582-T-C.
Other names: c.1301A>G, p.Glu434Gly (NM_001290020.2); c.-125A>G (NM_001290021.2); c.377A>G, p.Glu126Gly (NM_001312689.2); short protein forms E126G, E434G.
Identifiers: ClinVar variation 3409762 (VCV003409762.1).

ClinVar aggregate classification (germline): Uncertain significance (1 of 4 stars; one submission).

Conditions:
Primary ciliary dyskinesia. Also called: Ciliary dyskinesia. Identifiers: Orphanet 244, MedGen C0008780, MONDO:0016575, HP:0012265.

gnomAD v4.1: 11 of 1,609,434 alleles (0.00068%); highest among the groups gnomAD compares: Middle Eastern, 0.05%; no homozygotes.

Submission:

Ambry Genetics
Classification: Uncertain significance for Primary ciliary dyskinesia. Last evaluated: 2024-08-31. Review status: criteria provided, single submitter. Criteria: Ambry Variant Classification Scheme 2023. Collection method: clinical testing. Allele origin: germline.
Comment: The p.E434G variant (also known as c.1301A>G), located in coding exon 9 of the ARMC4 gene, results from an A to G substitution at nucleotide position 1301. The glutamic acid at codon 434 is replaced by glycine, an amino acid with similar properties. This amino acid position is conserved. In addition, the in silico prediction for this alteration is inconclusive. Based on the available evidence, the clinical significance of this variant remains unclear.